The following is an entry in ClinVar:

ClinVar aggregate classification (germline): Uncertain significance (1 of 4 stars; one submission).

Conditions:
Rhabdoid tumor predisposition syndrome 2 (RTPS2). Identifiers: Orphanet 231108, Orphanet 69077, MedGen C2750074, MONDO:0013224, OMIM 613325.

Submission:

Labcorp Genetics (formerly Invitae), Labcorp
Classification: Uncertain significance for Rhabdoid tumor predisposition syndrome 2. Last evaluated: 2021-08-12. Review status: criteria provided, single submitter. Criteria: Invitae Variant Classification Sherloc (09022015). Collection method: clinical testing. Allele origin: germline.
Comment: This sequence change replaces serine with alanine at codon 78 of the SMARCA4 protein (p.Ser78Ala). The serine residue is highly conserved and there is a moderate physicochemical difference between serine and alanine. This variant is not present in population databases (ExAC no frequency). In summary, the available evidence is currently insufficient to determine the role of this variant in disease. Therefore, it has been classified as a Variant of Uncertain Significance. Algorithms developed to predict the effect of missense changes on protein structure and function output the following: SIFT: "Tolerated"; PolyPhen-2: "Benign"; Align-GVGD: "Class C0". The alanine amino acid residue is found in multiple mammalian species, which suggests that this missense change does not adversely affect protein function. This variant has not been reported in the literature in individuals affected with SMARCA4-related conditions.

NM_003072.5(SMARCA4):c.232T>G (p.Ser78Ala)

Gene: SMARCA4 (SWI/SNF related BAF chromatin remodeling complex subunit ATPase 4; plus strand). Cytogenetic location: 19p13.2.
Variant type: single nucleotide variant.
Coding change: c.232T>G on transcript NM_003072.5 (MANE Select); coding-DNA position 232, T replaced by G.
Protein change: p.Ser78Ala; replaces serine 78 with alanine.
Molecular consequence: missense variant. On other transcripts: non-coding transcript variant (1).
Genome position (GRCh38, 1-based): chr19:10,985,282, T>G. VCF-style: chr19-10985282-T-G. GRCh37 (hg19) VCF-style: chr19-11095958-T-G.
Other names: c.232T>G, p.Ser78Ala (NM_001128844.3, NM_001128845.2, NM_001128846.2 and 5 more transcripts); short protein forms S78A.
Identifiers: ClinVar variation 1512335 (VCV001512335.6), dbSNP rs878854207, ClinGen allele CA404055092.
Genomic context (GRCh38, chr19:10,985,282, plus strand): 5'-CCACCTCACGTTCCACATGCTGACCCTGCCTTGCCATGGTCCCTCTCGCAGCCCATGGAG[T>G]CCATGCATGAGAAGGGCATGTCGGACGACCCGCGCTACAACCAGATGAAAGGAATGGGGA-3'
Protein context (NP_003063.2, residues 68-88): NMHQMHKPME[Ser78Ala]MHEKGMSDDP